The following is an entry in ClinVar:

ClinVar aggregate classification (germline): Uncertain significance (1 of 4 stars; one submission).

Submission:

Labcorp Genetics (formerly Invitae), Labcorp
Classification: Uncertain significance. Last evaluated: 2025-07-23. Review status: criteria provided, single submitter. Criteria: Invitae Variant Classification Sherloc (09022015). Collection method: clinical testing. Allele origin: germline.
Comment: This sequence change creates a premature translational stop signal (p.Trp82*) in the GNB3 gene. It is expected to result in an absent or disrupted protein product. However, the current clinical and genetic evidence is not sufficient to establish whether loss-of-function variants in GNB3 cause disease. This variant is not present in population databases (gnomAD no frequency). This variant has not been reported in the literature in individuals affected with GNB3-related conditions. In summary, the available evidence is currently insufficient to determine the role of this variant in disease. Therefore, it has been classified as a Variant of Uncertain Significance.

NM_002075.4(GNB3):c.246G>A (p.Trp82Ter)

Gene: GNB3 (G protein subunit beta 3; plus strand). Cytogenetic location: 12p13.31.
Variant type: single nucleotide variant.
Coding change: c.246G>A on transcript NM_002075.4 (MANE Select); coding-DNA position 246, G replaced by A.
Protein change: p.Trp82Ter; replaces tryptophan 82 with a stop codon.
Molecular consequence: nonsense.
Genome position (GRCh38, 1-based): chr12:6,843,216, G>A. VCF-style: chr12-6843216-G-A. GRCh37 (hg19) VCF-style: chr12-6952380-G-A.
Other names: c.246G>A, p.Trp82Ter (NM_001297571.2); short protein forms W82*.
Identifiers: ClinVar variation 4723170 (VCV004723170.1).